The following is an entry in ClinVar:

NM_001134831.2(AHI1):c.2552T>A (p.Leu851Ter)

Gene: AHI1 (Abelson helper integration site 1; minus strand). Cytogenetic location: 6q23.3.
Variant type: single nucleotide variant.
Coding change: c.2552T>A on transcript NM_001134831.2 (MANE Select); coding-DNA position 2552, T replaced by A.
Protein change: p.Leu851Ter; replaces leucine 851 with a stop codon.
Molecular consequence: nonsense.
Genome position (GRCh38, 1-based): chr6:135,428,700, A>T on the plus strand (T>A on the coding strand, the complement: AHI1 is on the minus strand). VCF-style: chr6-135428700-A-T. GRCh37 (hg19) VCF-style: chr6-135749838-A-T.
Other names: c.2552T>A, p.Leu851Ter (NM_001134830.2, NM_001134832.2, NM_001350503.2 and 2 more transcripts); short protein forms L851*.
Identifiers: ClinVar variation 5014358 (VCV005014358.1).

ClinVar aggregate classification (germline): Pathogenic (1 of 4 stars; one submission).

Conditions:
Joubert syndrome 3 (JBTS3). Also called: AHI1-related Ciliopathy. Identifiers: Orphanet 220493, MedGen C1837713, MONDO:0012078, OMIM 608629.

gnomAD v4.1: 1 of 1,608,866 alleles (0.000062%); highest among the groups gnomAD compares: Non-Finnish European, 0.000085%; no homozygotes.

Submission:

Myriad Genetics, Inc.
Classification: Pathogenic for Joubert syndrome 3. Last evaluated: 2025-04-28. Review status: criteria provided, single submitter. Criteria: Myriad Autosomal Dominant, Autosomal Recessive and X-Linked Classification Criteria (2023). Collection method: clinical testing. Allele origin: unknown.
Comment: NM_001134831.1(AHI1):c.2552T>A(L851*) is expected to be pathogenic in the context of Joubert syndrome, AHI1-related. This variant is predicted to lead to an abnormal or absent protein product due to the creation of a premature termination codon in AHI1, a gene where loss-of-function variants are known to be pathogenic. Please note: this variant was assessed in the context of healthy population screening.